The following is an entry in ClinVar:

ClinVar aggregate classification (germline): Uncertain significance. Review status: criteria provided, multiple submitters, no conflicts (2 of 4 stars). 2 submissions from 2 submitters: Uncertain significance (2). Last evaluated 2026-08-29.

Conditions:
Familial thoracic aortic aneurysm and aortic dissection (TAAD). Also called: Thoracic aortic aneurysms and dissections. Identifiers: Orphanet 91387, MedGen C4707243, MONDO:0019625.

Submissions (2):

Ambry Genetics
Classification: Uncertain significance for Familial thoracic aortic aneurysm and aortic dissection. Last evaluated: 2026-08-29. Review status: criteria provided, single submitter. Criteria: Ambry Variant Classification Scheme 2023. Collection method: clinical testing. Allele origin: germline.
Comment: The p.K278R variant (also known as c.833A>G), located in coding exon 4 of the FLNA gene, results from an A to G substitution at nucleotide position 833. The lysine at codon 278 is replaced by arginine, an amino acid with highly similar properties. This amino acid position is conserved. In addition, this alteration is predicted to be tolerated by in silico analysis. Based on the available evidence, the clinical significance of this variant remains unclear.

GeneDx
Classification: Uncertain significance. Last evaluated: 2024-09-10. Review status: criteria provided, single submitter. Criteria: GeneDx Variant Classification Process June 2021. Collection method: clinical testing. Allele origin: germline. Affected: yes.
Comment: Not observed at significant frequency in large population cohorts (gnomAD); In silico analysis indicates that this missense variant does not alter protein structure/function; Has not been previously published as pathogenic or benign to our knowledge

NM_001110556.2(FLNA):c.833A>G (p.Lys278Arg)

Gene: FLNA (filamin A; minus strand). Cytogenetic location: Xq28.
Variant type: single nucleotide variant.
Coding change: c.833A>G on transcript NM_001110556.2 (MANE Select); coding-DNA position 833, A replaced by G.
Protein change: p.Lys278Arg; replaces lysine 278 with arginine.
Molecular consequence: missense variant.
Genome position (GRCh38, 1-based): chrX:154,367,432, T>C on the plus strand (A>G on the coding strand, the complement: FLNA is on the minus strand). VCF-style: chrX-154367432-T-C. GRCh37 (hg19) VCF-style: chrX-153595800-T-C.
Other names: c.833A>G, p.Lys278Arg (NM_001456.4); short protein forms K278R.
Identifiers: ClinVar variation 3767615 (VCV003767615.2).